The following is an entry in ClinVar:

NM_001369.3(DNAH5):c.4292delinsTGTATAAGAGACAG (p.Asp1431fs)

Genes: DNAH5 (dynein axonemal heavy chain 5; minus strand), DNAH5-AS1 (DNAH5 antisense RNA 1; plus strand). Cytogenetic location: 5p15.2.
Variant type: Indel.
Coding change: c.4292delinsTGTATAAGAGACAG on transcript NM_001369.3 (MANE Select); coding-DNA position 4292, A replaced by TGTATAAGAGACAG.
Protein change: p.Asp1431fs; shifts the reading frame from aspartic acid 1431.
Molecular consequence: frameshift variant.
Genome position (GRCh38, 1-based): chr5:13,865,731, T replaced by CTGTCTCTTATACA on the plus strand (A replaced by TGTATAAGAGACAG on the coding strand, the reverse complement: DNAH5 is on the minus strand). VCF-style: chr5-13865731-T-CTGTCTCTTATACA. GRCh37 (hg19) VCF-style: chr5-13865840-T-CTGTCTCTTATACA.
Other names: short protein forms D1431fs.
Identifiers: ClinVar variation 5010336 (VCV005010336.1).
Genomic context (GRCh38, chr5:13,865,731, plus strand): 5'-TTCTGGAATTCTAAGAGTTCATTGTTAATTTTTTCAATATTCACCTCTGACCAAAGAATA[T>CTGTCTCTTATACA]CATAATAGCTATTTACAGTTTCTATGACACTGTTGTACAGAGTATATATTTTCTGTAGAA-3'

ClinVar aggregate classification (germline): Pathogenic (1 of 4 stars; one submission).

Conditions:
Primary ciliary dyskinesia 3. Identifiers: Orphanet 244, MedGen C1837618, MONDO:0012085, OMIM 608644.

Submission:

Myriad Genetics, Inc.
Classification: Pathogenic for Primary ciliary dyskinesia 3. Last evaluated: 2024-05-14. Review status: criteria provided, single submitter. Criteria: Myriad Autosomal Dominant, Autosomal Recessive and X-Linked Classification Criteria (2023). Collection method: clinical testing. Allele origin: unknown.
Comment: NM_001369.2(DNAH5):c.4292del1ins14(D1431Vfs*14) is expected to be pathogenic in the context of primary ciliary dyskinesia, DNAH5-related. This variant is predicted to lead to an abnormal or absent protein product due to the creation of a premature termination codon in DNAH5, a gene where loss-of-function variants are known to be pathogenic. Please note: this variant was assessed in the context of healthy population screening.